The following is an entry in ClinVar:

ClinVar aggregate classification (germline): Uncertain significance (1 of 4 stars; one submission).

Submission:

GeneDx
Classification: Uncertain significance. Last evaluated: 2015-12-03. Review status: criteria provided, single submitter. Criteria: GeneDx Variant Classification (06012015). Collection method: clinical testing. Allele origin: germline. Affected: yes.
Comment: A novel variant of uncertain significance has been identified in the RAF1 gene. The V312L variant has not been published as a pathogenic variant, nor has it been reported as a benign variant to our knowledge. This variant was not observed in approximately 6,500 individuals of European and African American ancestry in the NHLBI Exome Sequencing Project, indicating it is not a common benign variant in these populations. This substitution occurs at a position where only amino acids with similar properties to Valine are tolerated across species. However, the V312L variant is a conservative amino acid substitution, which is not likely to impact secondary protein structure as these residues share similar properties. In silico analysis is inconsistent in its predictions as to whether or not the variant is damaging to the protein structure/function. Furthermore, only one missense variant in a nearby residue (T310A) has been reported in the Human Gene Mutation Database in association with DCM (Stenson et al., 2014). Therefore, based on the currently available information, it is unclear whether this variant is pathogenic or benign.

NM_002880.4(RAF1):c.934G>C (p.Val312Leu)

Gene: RAF1 (Raf-1 proto-oncogene, serine/threonine kinase; minus strand). Cytogenetic location: 3p25.2.
Variant type: single nucleotide variant.
Coding change: c.934G>C on transcript NM_002880.4 (MANE Select); coding-DNA position 934, G replaced by C.
Protein change: p.Val312Leu; replaces valine 312 with leucine.
Molecular consequence: missense variant. On other transcripts: non-coding transcript variant (3).
Genome position (GRCh38, 1-based): chr3:12,600,208, C>G on the plus strand (G>C on the coding strand, the complement: RAF1 is on the minus strand). VCF-style: chr3-12600208-C-G. GRCh37 (hg19) VCF-style: chr3-12641707-C-G.
Other names: c.994G>C, p.Val332Leu (NM_001354689.3); c.934G>C, p.Val312Leu (NM_001354690.3); c.691G>C, p.Val231Leu (NM_001354691.3, NM_001354692.3); c.835G>C, p.Val279Leu (NM_001354693.3); c.751G>C, p.Val251Leu (NM_001354694.3); c.592G>C, p.Val198Leu (NM_001354695.3); short protein forms V312L, V198L, V231L, V279L, V251L, V332L.
Identifiers: ClinVar variation 280163 (VCV000280163.2), dbSNP rs555034652, ClinGen allele CA10602876.
Genomic context (GRCh38, chr3:12,600,208, plus strand): 5'-TCACAATTTTGTTTTTCTCCTGGGTCCCAGATACTGGTGCCCGCTCTCTTTGTGCTGGCA[C>G]GGGGGTTTTCGGCTGTGACCAGCCTGTTGGGCTCAGATTGTTGGGGCTACTGGACAGGGC-3'
Protein context (NP_002871.1, residues 302-322): PTGWSQPKTP[Val312Leu]PAQRERAPVS